The following is an entry in ClinVar:

ClinVar aggregate classification (germline): Conflicting classifications of pathogenicity. Review status: criteria provided, conflicting classifications (1 of 4 stars). 8 submissions from 8 submitters: Uncertain significance (1); Likely benign (6). 1 of the submissions does not count toward it. Last evaluated 2026-02-01.

Conditions:
SYNE1-related disorder. Also called: SYNE1-related disease; SYNE1-related condition; SYNE1-related disorders.
Inborn genetic diseases. Identifiers: MedGen C0950123, MeSH D030342.
Emery-Dreifuss muscular dystrophy 4, autosomal dominant (EDMD4). Also called: EMERY-DREIFUSS MUSCULAR DYSTROPHY 4 WITH VARIABLE FEATURES. Identifiers: Orphanet 261, MedGen C2751807, MONDO:0013071, OMIM 612998.
Autosomal recessive ataxia, Beauce type. Also called: SYNE1 Deficiency; SYNE1-Related Autosomal Recessive Cerebellar Ataxia; ATAXIA, RECESSIVE, OF BEAUCE; Spinocerebellar ataxia, autosomal recessive 8. Identifiers: Orphanet 88644, MedGen C1853116, MONDO:0012549, OMIM 610743.

Allele frequency attached by ClinVar (database versions not stated): gnomAD 0.00105 and 0.00114; ESP Exome Variant Server 0.00108; TOPMed 0.00133; gnomAD exomes 0.00029; ExAC 0.00033; 1000 Genomes Project 0.00060; 1000 Genomes Project 30x 0.00062.
gnomAD v4.1: 360 of 1,614,188 alleles (0.022%); highest among the groups gnomAD compares: African/African-American, 0.41%; 2 homozygotes.

Submissions (8):

CeGaT Center for Human Genetics Tuebingen
Classification: Likely benign. Last evaluated: 2026-02-01. Review status: criteria provided, single submitter. Criteria: CeGaT Center For Human Genetics Tuebingen Variant Classification Criteria Version 2. Collection method: clinical testing. Allele origin: germline. Affected: yes. Observed: 2 variant alleles.
Comment: SYNE1: BP4

Labcorp Genetics (formerly Invitae), Labcorp
Classification: Likely benign for Emery-Dreifuss muscular dystrophy 4, autosomal dominant; Autosomal recessive ataxia, Beauce type. Last evaluated: 2026-01-12. Review status: criteria provided, single submitter. Criteria: Invitae Variant Classification Sherloc (09022015). Collection method: clinical testing. Allele origin: germline.

Mayo Clinic Laboratories, Mayo Clinic
Classification: Likely benign. Last evaluated: 2024-12-13. Review status: criteria provided, single submitter. Criteria: ACMG Guidelines, 2015. Collection method: clinical testing. Allele origin: germline. Observed: 2 variant alleles.
Comment: BS1, BP4_moderate

Athena Diagnostics
Classification: Likely benign. Last evaluated: 2024-10-11. Review status: criteria provided, single submitter. Criteria: Athena Diagnostics Criteria. Collection method: clinical testing. Allele origin: unknown.

Ambry Genetics
Classification: Uncertain significance for Inborn genetic diseases. Last evaluated: 2021-07-27. Review status: criteria provided, single submitter. Criteria: Ambry Variant Classification Scheme 2023. Collection method: clinical testing. Allele origin: germline.

GeneDx
Classification: Likely benign. Last evaluated: 2021-03-04. Review status: criteria provided, single submitter. Criteria: GeneDx Variant Classification Process June 2021. Collection method: clinical testing. Allele origin: germline. Affected: yes.

Eurofins Ntd Llc (ga)
Classification: Likely benign. Last evaluated: 2016-09-02. Review status: criteria provided, single submitter. Criteria: EGL Classification Definitions 2015. Collection method: clinical testing. Allele origin: germline. Observed: 4 variant alleles, 4 heterozygotes.

PreventionGenetics, part of Exact Sciences
Classification: Likely benign for SYNE1-related condition. Last evaluated: 2020-09-05. Review status: no assertion criteria provided. Collection method: clinical testing. Allele origin: germline. Not counted in ClinVar's aggregate classification.
Comment: This variant is classified as likely benign based on ACMG/AMP sequence variant interpretation guidelines (Richards et al. 2015 PMID: 25741868, with internal and published modifications).

NM_182961.4(SYNE1):c.6946A>G (p.Ile2316Val)

Gene: SYNE1 (spectrin repeat containing nuclear envelope protein 1; minus strand). Cytogenetic location: 6q25.2.
Variant type: single nucleotide variant.
Coding change: c.6946A>G on transcript NM_182961.4 (MANE Select); coding-DNA position 6946, A replaced by G.
Protein change: p.Ile2316Val; replaces isoleucine 2316 with valine.
Molecular consequence: missense variant.
Genome position (GRCh38, 1-based): chr6:152,401,221, T>C on the plus strand (A>G on the coding strand, the complement: SYNE1 is on the minus strand). VCF-style: chr6-152401221-T-C. GRCh37 (hg19) VCF-style: chr6-152722356-T-C.
Other names: p.Ile2323Val; c.6946A>G (NM_182961.2); c.6967A>G, p.Ile2323Val (NM_033071.5); short protein forms I2316V, I2323V.
Identifiers: ClinVar variation 285099 (VCV000285099.50), dbSNP rs116721144, ClinGen allele CA4057960.